The following is an entry in ClinVar:

ClinVar aggregate classification (germline): Likely pathogenic (1 of 4 stars; one submission).

Conditions:
Cockayne syndrome type 1. Also called: Cockayne syndrome type I; Cockayne syndrome classical; Cockayne syndrome classic form. Identifiers: Orphanet 191, Orphanet 90321, MedGen C0751039, MONDO:0019569, OMIM 216400.

Submission:

Myriad Genetics, Inc.
Classification: Likely pathogenic for Cockayne syndrome type 1. Last evaluated: 2026-08-04. Review status: criteria provided, single submitter. Criteria: Myriad Autosomal Dominant, Autosomal Recessive and X-Linked Classification Criteria (2023). Collection method: clinical testing. Allele origin: unknown.
Comment: NM_000082.3(ERCC8):c.618-2A>G is a variant in a canonical splice site classified as likely pathogenic in the context of ERCC8-related disorders. c.618-2A>G has been observed in cases with relevant disease (PMID: 28333167, 40842628). Relevant functional assessments of this variant are available in the literature (PMID: 28333167). c.618-2A>G has not been observed in referenced population frequency databases. In summary, NM_000082.3(ERCC8):c.618-2A>G is a variant in a canonical splice site that has been observed more frequently in cases with the relevant disease than in healthy populations. Please note: this variant was assessed in the context of healthy population screening.

Literature cited by the submitters: PubMed 28333167; PubMed 40842628.

NM_000082.4(ERCC8):c.618-2A>G

Gene: ERCC8 (ERCC excision repair 8, CSA ubiquitin ligase complex subunit; minus strand). Cytogenetic location: 5q12.1.
Variant type: single nucleotide variant.
Coding change: c.618-2A>G on transcript NM_000082.4 (MANE Select); the canonical splice acceptor site of the intron before coding-DNA position 618, A replaced by G.
Molecular consequence: splice acceptor variant.
Genome position (GRCh38, 1-based): chr5:60,899,729, T>C on the plus strand (A>G on the coding strand, the complement: ERCC8 is on the minus strand). VCF-style: chr5-60899729-T-C. GRCh37 (hg19) VCF-style: chr5-60195556-T-C.
Other names: c.159-2A>G (NM_001290285.2); c.444-2A>G (NM_001007233.3).
Identifiers: ClinVar variation 5003483 (VCV005003483.1).